The following is an entry in ClinVar:

NM_007294.4(BRCA1):c.4717G>C (p.Asp1573His)

Gene: BRCA1 (BRCA1 DNA repair associated; minus strand). Cytogenetic location: 17q21.31.
Variant type: single nucleotide variant.
Coding change: c.4717G>C on transcript NM_007294.4 (MANE Select); coding-DNA position 4717, G replaced by C.
Protein change: p.Asp1573His; replaces aspartic acid 1573 with histidine.
Molecular consequence: missense variant. On other transcripts: non-coding transcript variant (1).
Genome position (GRCh38, 1-based): chr17:43,071,197, C>G on the plus strand (G>C on the coding strand, the complement: BRCA1 is on the minus strand). VCF-style: chr17-43071197-C-G. GRCh37 (hg19) VCF-style: chr17-41223214-C-G.
Other names: c.4576G>C, p.Asp1526His (NM_001407725.1, NM_001407692.1, NM_001407694.1 and 13 more transcripts); c.4573G>C, p.Asp1525His (NM_001407752.1, NM_001407732.1, NM_001407733.1 and 21 more transcripts); c.4501G>C, p.Asp1501His (NM_001407915.1, NM_001407916.1, NM_001407917.1 and 1 more transcripts); c.4453G>C, p.Asp1485His (NM_001407924.1, NM_001407925.1, NM_001407926.1 and 4 more transcripts); c.4450G>C, p.Asp1484His (NM_001407927.1, NM_001407928.1, NM_001407929.1 and 4 more transcripts); c.4594G>C, p.Asp1532His (NM_001407919.1, NM_001407664.1, NM_001407665.1 and 6 more transcripts); c.4639G>C, p.Asp1547His (NM_001407655.1, NM_001407653.1, NM_001407654.1); c.4636G>C, p.Asp1546His (NM_001407656.1, NM_001407657.1, NM_001407658.1); and 70 more; short protein forms D1573H, D1594H, D1526H, D469H, D1419H, D1462H, D1501H, D1504H.
Identifiers: ClinVar variation 569880 (VCV000569880.18), dbSNP rs1188628175, ClinGen allele CA10592076.

ClinVar aggregate classification (germline): Uncertain significance. Review status: criteria provided, multiple submitters, no conflicts (2 of 4 stars). 4 submissions from 4 submitters: Uncertain significance (4). Last evaluated 2024-08-07.

Conditions:
Hereditary breast ovarian cancer syndrome. Also called: Hereditary breast and ovarian cancer syndrome; Breast and ovarian cancer; Hereditary breast and ovarian cancer; Hereditary breast and/or ovarian cancer syndrome; Hereditary breast and ovarian cancer syndrome (HBOC); BRCA1- and BRCA2-Associated Hereditary Breast and Ovarian Cancer. Identifiers: Orphanet 145, MedGen C0677776, MeSH D061325, MONDO:0003582. Disease mechanism: loss of function.
Hereditary cancer-predisposing syndrome. Also called: Hereditary neoplastic syndrome; Tumor predisposition; Neoplastic Syndromes, Hereditary; Hereditary Cancer Syndrome. Identifiers: Orphanet 140162, MedGen C0027672, MeSH D009386, MONDO:0015356.

Allele frequency attached by ClinVar (database versions not stated): TOPMed below 0.00001; gnomAD 0.00001.
gnomAD v4.1: 1 of 1,614,072 alleles (0.000062%); highest among the groups gnomAD compares: African/African-American, 0.0013%; no homozygotes.

Submissions (4):

Labcorp Genetics (formerly Invitae), Labcorp
Classification: Uncertain significance for Hereditary breast ovarian cancer syndrome. Last evaluated: 2024-08-07. Review status: criteria provided, single submitter. Criteria: Invitae Variant Classification Sherloc (09022015). Collection method: clinical testing. Allele origin: germline.
Comment: This sequence change replaces aspartic acid, which is acidic and polar, with histidine, which is basic and polar, at codon 1573 of the BRCA1 protein (p.Asp1573His). This variant is not present in population databases (gnomAD no frequency). This variant has not been reported in the literature in individuals affected with BRCA1-related conditions. ClinVar contains an entry for this variant (Variation ID: 569880). Advanced modeling of protein sequence and biophysical properties (such as structural, functional, and spatial information, amino acid conservation, physicochemical variation, residue mobility, and thermodynamic stability) performed at Invitae indicates that this missense variant is not expected to disrupt BRCA1 protein function with a negative predictive value of 95%. In summary, the available evidence is currently insufficient to determine the role of this variant in disease. Therefore, it has been classified as a Variant of Uncertain Significance.

Quest Diagnostics Nichols Institute San Juan Capistrano
Classification: Uncertain significance. Last evaluated: 2023-06-06. Review status: criteria provided, single submitter. Criteria: Quest Diagnostics criteria. Collection method: clinical testing. Allele origin: unknown.
Comment: This variant has not been reported in the published literature. The frequency of this variant in the general population, 0.0000066 (1/152188 chromosomes (Genome Aggregation Database)), is uninformative in the assessment of its pathogenicity. Analysis of this variant using bioinformatics tools for the prediction of the effect of amino acid changes on protein structure and function yielded predictions that this variant is benign. Based on the available information, we are unable to determine the clinical significance of this variant.

Ambry Genetics
Classification: Uncertain significance for Hereditary cancer-predisposing syndrome. Last evaluated: 2022-02-11. Review status: criteria provided, single submitter. Criteria: Ambry Variant Classification Scheme 2023. Collection method: clinical testing. Allele origin: germline.
Comment: The p.D1573H variant (also known as c.4717G>C), located in coding exon 14 of the BRCA1 gene, results from a G to C substitution at nucleotide position 4717. The aspartic acid at codon 1573 is replaced by histidine, an amino acid with similar properties. This amino acid position is not well conserved in available vertebrate species. In addition, the in silico prediction for this alteration is inconclusive. Since supporting evidence is limited at this time, the clinical significance of this alteration remains unclear.

Sema4
Classification: Uncertain significance for Hereditary cancer-predisposing syndrome. Last evaluated: 2021-10-31. Review status: criteria provided, single submitter. Criteria: Sema4 Curation Guidelines. Collection method: curation. Allele origin: germline.
Comment: The BRCA1 c.4717G>C (p.D1573H) variant has not been reported in the literature to our knowledge. It was not observed in the large and broad cohorts of the Genome Aggregation Database. The variant has been reported in ClinVar (Variation ID: 569880). Functional studies have not been performed, and in silico predictions of the variant's effect on protein function are inconclusive. The evidence is insufficient to meet ACMG/AMP criteria for classifying the variant as benign or pathogenic. Thus, the clinical significance of this variant is currently uncertain.